The following is an entry in ClinVar:

ClinVar aggregate classification (germline): Uncertain significance (1 of 4 stars; one submission).

Conditions:
Xanthinuria type II. Also called: Xanthine dehydrogenase and aldehyde oxidase combined deficiency of; XDH and AOX dual deficiency. Identifiers: Orphanet 3467, Orphanet 93602, MedGen C1863688, MONDO:0011346, OMIM 603592.

Allele frequency attached by ClinVar (database versions not stated): TOPMed 0.00001; ExAC 0.00002; gnomAD exomes 0.00002.
gnomAD v4.1: 5 of 1,614,030 alleles (0.00031%); highest among the groups gnomAD compares: Admixed American, 0.0067%; no homozygotes.

Submission:

Labcorp Genetics (formerly Invitae), Labcorp
Classification: Uncertain significance for Xanthinuria type II. Last evaluated: 2021-07-15. Review status: criteria provided, single submitter. Criteria: Invitae Variant Classification Sherloc (09022015). Collection method: clinical testing. Allele origin: germline.
Comment: This sequence change replaces histidine with tyrosine at codon 719 of the MOCOS protein (p.His719Tyr). The histidine residue is weakly conserved and there is a moderate physicochemical difference between histidine and tyrosine. This variant is present in population databases (rs754083460, ExAC 0.02%). This variant has not been reported in the literature in individuals affected with MOCOS-related conditions. Algorithms developed to predict the effect of missense changes on protein structure and function (SIFT, PolyPhen-2, Align-GVGD) all suggest that this variant is likely to be tolerated. In summary, the available evidence is currently insufficient to determine the role of this variant in disease. Therefore, it has been classified as a Variant of Uncertain Significance.

NM_017947.4(MOCOS):c.2155C>T (p.His719Tyr)

Gene: MOCOS (molybdenum cofactor sulfurase; plus strand). Cytogenetic location: 18q12.2.
Variant type: single nucleotide variant.
Coding change: c.2155C>T on transcript NM_017947.4 (MANE Select); coding-DNA position 2155, C replaced by T.
Protein change: p.His719Tyr; replaces histidine 719 with tyrosine.
Molecular consequence: missense variant.
Genome position (GRCh38, 1-based): chr18:36,251,274, C>T. VCF-style: chr18-36251274-C-T. GRCh37 (hg19) VCF-style: chr18-33831237-C-T.
Other names: short protein forms H719Y.
Identifiers: ClinVar variation 1415179 (VCV001415179.8), dbSNP rs754083460, ClinGen allele CA8940958.